The following is an entry in ClinVar:

ClinVar aggregate classification (germline): Conflicting classifications of pathogenicity. Review status: criteria provided, conflicting classifications (1 of 4 stars). 5 submissions from 5 submitters: Likely pathogenic (2); Uncertain significance (3). Last evaluated 2026-08-14.

Conditions:
Hereditary cancer-predisposing syndrome. Also called: Neoplastic Syndromes, Hereditary; Hereditary Cancer Syndrome; Tumor predisposition; Hereditary neoplastic syndrome. Identifiers: Orphanet 140162, MedGen C0027672, MeSH D009386, MONDO:0015356.
Ataxia-telangiectasia syndrome (AT). Also called: LOUIS-BAR SYNDROME; Cerebello-oculocutaneous telangiectasia; Immunodeficiency with ataxia telangiectasia; Ataxia-telangiectasia, complementation group D; AT, COMPLEMENTATION GROUP C; Ataxia-telangiectasia, complementation group E. Identifiers: Orphanet 100, MedGen C0004135, MONDO:0008840, OMIM 208900.
Familial cancer of breast. Also called: Hereditary breast cancer; BREAST CANCER, FAMILIAL; hereditary breast carcinoma. Identifiers: Orphanet 227535, MedGen C0346153, MONDO:0016419, OMIM 114480. Disease mechanism: loss of function.

gnomAD v4.1: 1 of 1,612,804 alleles (0.000062%); highest among the groups gnomAD compares: Middle Eastern, 0.017%; no homozygotes.

Submissions (5):

Myriad Genetics, Inc.
Classification: Likely pathogenic for Familial cancer of breast. Last evaluated: 2026-08-14. Review status: criteria provided, single submitter. Criteria: Myriad Autosomal Dominant, Autosomal Recessive and X-Linked Classification Criteria (2023). Collection method: clinical testing. Allele origin: unknown.
Comment: This variant is considered likely pathogenic. This variant has been reported in an individual with clinical features of gene-specific disease [external communications_2026]. Functional studies indicate this variant impacts protein function [PMID: 40580951]. This variant is expected to disrupt protein structure [Myriad internal data].

Clinical Genetics Laboratory, Skane University Hospital Lund
Classification: Likely pathogenic for Ataxia-telangiectasia syndrome. Last evaluated: 2026-03-05. Review status: criteria provided, single submitter. Criteria: ACMG Guidelines, 2015. Collection method: clinical testing. Allele origin: germline. Inheritance: Autosomal recessive inheritance. Affected: yes.
Comment: ATM (NM_000051.4) c.8774G>T, p.(Gly2925Val) represents a nucleotide substitution in exon 60 of 63 resulting in the amino acid change described above, which is predicted to be deleterious to protein function. ATM c.8774G>T has previously been identified at a low allele frequency in the general population and is reported as a VUS in the ClinVar database (Variation ID: 429066). Functional testing performed on cells from a patient homozygous for the variant demonstrated a deleterious effect on protein function comparable to classical A-T. Following ionizing radiation, low ATM levels and reduced phosphorylation of ATM-dependent substrates (KAP1, NBS1, CHK2, and H2AX) were observed (internal data). The variant has been classified as likely pathogenic based on the following gene-specific criteria (ClinGen Hereditary Breast, Ovarian and Pancreatic Cancer Expert Panel Specifications to the ACMG/AMP Variant Interpretation Guidelines for ATM Version 1.5.0): PS3_Moderate, PM2_Supporting, PM3_Moderate, and PP3.

Labcorp Genetics (formerly Invitae), Labcorp
Classification: Uncertain significance for Ataxia-telangiectasia syndrome. Last evaluated: 2025-09-21. Review status: criteria provided, single submitter. Criteria: Invitae Variant Classification Sherloc (09022015). Collection method: clinical testing. Allele origin: germline.
Comment: This sequence change replaces glycine, which is neutral and non-polar, with valine, which is neutral and non-polar, at codon 2925 of the ATM protein (p.Gly2925Val). This variant is not present in population databases (gnomAD no frequency). This missense change has been observed in individual(s) with breast cancer (PMID: 25503501). ClinVar contains an entry for this variant (Variation ID: 429066). Invitae Evidence Modeling of protein sequence and biophysical properties (such as structural, functional, and spatial information, amino acid conservation, physicochemical variation, residue mobility, and thermodynamic stability) indicates that this missense variant is expected to disrupt ATM protein function with a positive predictive value of 95%. In summary, the available evidence is currently insufficient to determine the role of this variant in disease. Therefore, it has been classified as a Variant of Uncertain Significance.

Color Diagnostics, LLC DBA Color Health
Classification: Uncertain significance for Hereditary cancer-predisposing syndrome. Last evaluated: 2024-06-24. Review status: criteria provided, single submitter. Criteria: ACMG Guidelines, 2015. Collection method: clinical testing. Allele origin: germline.
Comment: This missense variant replaces glycine with valine at codon 2925 of the ATM protein. Computational prediction suggests that this variant may have deleterious impact on protein structure and function. To our knowledge, functional studies have not been reported for this variant. This variant has been reported in an individual affected with early-onset breast cancer (PMID: 25503501). This variant has not been identified in the general population by the Genome Aggregation Database (gnomAD). The available evidence is insufficient to determine the role of this variant in disease conclusively. Therefore, this variant is classified as a Variant of Uncertain Significance.

Ambry Genetics
Classification: Uncertain significance for Hereditary cancer-predisposing syndrome. Last evaluated: 2024-05-13. Review status: criteria provided, single submitter. Criteria: Ambry Variant Classification Scheme 2023. Collection method: clinical testing. Allele origin: germline.
Comment: The p.G2925V variant (also known as c.8774G>T), located in coding exon 59 of the ATM gene, results from a G to T substitution at nucleotide position 8774. The glycine at codon 2925 is replaced by valine, an amino acid with dissimilar properties. This alteration was previously reported in at least one individual from a cohort of 278 BRCA1/2-negative individuals with early-onset breast cancer via multiplex panel testing of 22 cancer susceptibility genes (Maxwell KN et al. Genet. Med., 2015 Aug;17:630-8). This amino acid position is highly conserved in available vertebrate species. In addition, this alteration is predicted to be deleterious by in silico analysis. Based on the available evidence, the clinical significance of this variant remains unclear.

Literature cited by the submitters: PubMed 40580951 (cited by Myriad Genetics, Inc.); PubMed 25503501 (cited by 3 submitters).

NM_000051.4(ATM):c.8774G>T (p.Gly2925Val)

Genes: ATM (ATM serine/threonine kinase; plus strand), C11orf65 (chromosome 11 open reading frame 65; minus strand). Cytogenetic location: 11q22.3.
Variant type: single nucleotide variant.
Coding change: c.8774G>T on transcript NM_000051.4 (MANE Select); coding-DNA position 8774, G replaced by T.
Protein change: p.Gly2925Val; replaces glycine 2925 with valine.
Molecular consequence: missense variant. On other transcripts: intron variant (2).
Genome position (GRCh38, 1-based): chr11:108,353,868, G>T. VCF-style: chr11-108353868-G-T. GRCh37 (hg19) VCF-style: chr11-108224595-G-T.
Other names: c.8774G>T, p.Gly2925Val (NM_001351834.2); c.640+32052C>A (NM_001330368.2); c.695-18576C>A (NM_001351110.2); short protein forms G2925V.
Identifiers: ClinVar variation 429066 (VCV000429066.20), dbSNP rs769959260, ClinGen allele CA382524281.